The following is an entry in ClinVar:

NM_001365951.3(KIF1B):c.5003A>G (p.Gln1668Arg)

Gene: KIF1B (kinesin family member 1B; plus strand). Cytogenetic location: 1p36.22.
Variant type: single nucleotide variant.
Coding change: c.5003A>G on transcript NM_001365951.3 (MANE Select); coding-DNA position 5003, A replaced by G.
Protein change: p.Gln1668Arg; replaces glutamine 1668 with arginine.
Molecular consequence: missense variant.
Genome position (GRCh38, 1-based): chr1:10,374,372, A>G. VCF-style: chr1-10374372-A-G. GRCh37 (hg19) VCF-style: chr1-10434430-A-G.
Other names: c.5003A>G, p.Gln1668Arg (NM_001365952.1); c.4865A>G, p.Gln1622Arg (NM_015074.3); short protein forms Q1622R, Q1668R.
Identifiers: ClinVar variation 1425623 (VCV001425623.10), dbSNP rs1638828437, ClinGen allele CA338329060.
Genomic context (GRCh38, chr1:10,374,372, plus strand): 5'-AAAGGACCCCAGAAGCCAATTCCCGGGCCTCTAGTCCCTGCCCAGAATTTGAACAGTTTC[A>G]GATTGTCCCAGCTGTGGAAACACCATATTTGGCCCGAGCAGGAAAAAACGAATTTCTCAA-3'
Protein context (NP_001352880.1, residues 1658-1678): SSPCPEFEQF[Gln1668Arg]IVPAVETPYL

ClinVar aggregate classification (germline): Uncertain significance. Review status: criteria provided, multiple submitters, no conflicts (2 of 4 stars). 2 submissions from 2 submitters: Uncertain significance (2). Last evaluated 2022-03-31.

Conditions:
Charcot-Marie-Tooth disease type 2. Also called: Charcot-Marie-Tooth type 2. Identifiers: Orphanet 64746, MedGen C0270914, MONDO:0018993.

Allele frequency attached by ClinVar (database versions not stated): gnomAD 0.00001.
gnomAD v4.1: 1 of 1,614,074 alleles (0.000062%); highest among the groups gnomAD compares: African/African-American, 0.0013%; no homozygotes.

Submissions (2):

Ambry Genetics
Classification: Uncertain significance. Last evaluated: 2022-03-31. Review status: criteria provided, single submitter. Criteria: Ambry Variant Classification Scheme 2023. Collection method: clinical testing. Allele origin: germline.
Comment: The p.Q1622R variant (also known as c.4865A>G), located in coding exon 43 of the KIF1B gene, results from an A to G substitution at nucleotide position 4865. The glutamine at codon 1622 is replaced by arginine, an amino acid with highly similar properties. This amino acid position is well conserved in available vertebrate species. In addition, this alteration is predicted to be tolerated by in silico analysis. Since supporting evidence is limited at this time, the clinical significance of this alteration remains unclear.

Labcorp Genetics (formerly Invitae), Labcorp
Classification: Uncertain significance for Charcot-Marie-Tooth disease type 2. Last evaluated: 2020-11-15. Review status: criteria provided, single submitter. Criteria: Invitae Variant Classification Sherloc (09022015). Collection method: clinical testing. Allele origin: germline.
Comment: This variant is not present in population databases (ExAC no frequency). This variant has not been reported in the literature in individuals with KIF1B-related conditions. Algorithms developed to predict the effect of missense changes on protein structure and function (SIFT, PolyPhen-2, Align-GVGD) all suggest that this variant is likely to be tolerated, but these predictions have not been confirmed by published functional studies and their clinical significance is uncertain. In summary, the available evidence is currently insufficient to determine the role of this variant in disease. Therefore, it has been classified as a Variant of Uncertain Significance. This sequence change replaces glutamine with arginine at codon 1622 of the KIF1B protein (p.Gln1622Arg). The glutamine residue is weakly conserved and there is a small physicochemical difference between glutamine and arginine.